The following is an entry in ClinVar:

ClinVar aggregate classification (germline): Uncertain significance. Review status: criteria provided, multiple submitters, no conflicts (2 of 4 stars). 3 submissions from 3 submitters: Uncertain significance (3). Last evaluated 2025-08-18.

Conditions:
MYO18B-related disorder. Also called: MYO18B-related condition.
Inborn genetic diseases. Identifiers: MedGen C0950123, MeSH D030342.

Allele frequency attached by ClinVar (database versions not stated): gnomAD 0.00001; gnomAD exomes 0.00001 and 0.00002.
gnomAD v4.1: 29 of 1,606,626 alleles (0.0018%); highest among the groups gnomAD compares: South Asian, 0.0045%; no homozygotes.

Submissions (3):

PreventionGenetics, part of Exact Sciences
Classification: Uncertain significance for MYO18B-related condition. Last evaluated: 2025-08-18. Review status: criteria provided, single submitter. Criteria: ACMG Guidelines, 2015. Collection method: clinical testing. Allele origin: germline.
Comment: The MYO18B c.6323G>A variant is predicted to result in the amino acid substitution p.Arg2108Gln. To our knowledge, this variant has not been reported in the literature. This variant is reported in 0.0041% of alleles in individuals of European (Finnish) descent in gnomAD. At this time, the clinical significance of this variant is uncertain due to the absence of conclusive functional and genetic evidence.

Ambry Genetics
Classification: Uncertain significance for Inborn genetic diseases. Last evaluated: 2022-11-10. Review status: criteria provided, single submitter. Criteria: Ambry Variant Classification Scheme 2023. Collection method: clinical testing. Allele origin: germline.

Labcorp Genetics (formerly Invitae), Labcorp
Classification: Uncertain significance. Last evaluated: 2021-05-05. Review status: criteria provided, single submitter. Criteria: Invitae Variant Classification Sherloc (09022015). Collection method: clinical testing. Allele origin: germline.
Comment: In summary, the available evidence is currently insufficient to determine the role of this variant in disease. Therefore, it has been classified as a Variant of Uncertain Significance. Algorithms developed to predict the effect of missense changes on protein structure and function are either unavailable or do not agree on the potential impact of this missense change (SIFT: "Not Available"; PolyPhen-2: "Benign"; Align-GVGD: "Not Available"). This variant has not been reported in the literature in individuals with MYO18B-related conditions. The frequency data for this variant in the population databases is considered unreliable, as metrics indicate poor data quality at this position in the ExAC database. This sequence change replaces arginine with glutamine at codon 2108 of the MYO18B protein (p.Arg2108Gln). The arginine residue is weakly conserved and there is a small physicochemical difference between arginine and glutamine.

NM_032608.7(MYO18B):c.6323G>A (p.Arg2108Gln)

Gene: MYO18B (myosin XVIIIB; plus strand). Cytogenetic location: 22q12.1.
Variant type: single nucleotide variant.
Coding change: c.6323G>A on transcript NM_032608.7 (MANE Select); coding-DNA position 6323, G replaced by A.
Protein change: p.Arg2108Gln; replaces arginine 2108 with glutamine.
Molecular consequence: missense variant.
Genome position (GRCh38, 1-based): chr22:26,003,300, G>A. VCF-style: chr22-26003300-G-A. GRCh37 (hg19) VCF-style: chr22-26399266-G-A.
Other names: c.6326G>A, p.Arg2109Gln (NM_001318245.2); c.6323G>A (NM_032608.6, NM_032608.5); short protein forms R2108Q, R2109Q.
Identifiers: ClinVar variation 1392009 (VCV001392009.9), dbSNP rs761193684, ClinGen allele CA10161487.